The following is an entry in ClinVar:

ClinVar aggregate classification (germline): Uncertain significance. Review status: criteria provided, multiple submitters, no conflicts (2 of 4 stars). 2 submissions from 2 submitters: Uncertain significance (2). Last evaluated 2022-05-27.

Conditions:
Paganini-Miozzo syndrome. Also called: MENTAL RETARDATION, X-LINKED, SYNDROMIC, PAGANINI-MIOZZO TYPE. Identifiers: MedGen C5193010, MONDO:0026724, OMIM 301025.

Allele frequency attached by ClinVar (database versions not stated): ExAC 0.00002; gnomAD exomes 0.00004; TOPMed 0.00004; gnomAD 0.00005.
gnomAD v4.1: 12 of 1,209,863 alleles (0.00099%); highest among the groups gnomAD compares: Admixed American, 0.02%; no homozygotes.

Submissions (2):

Ambry Genetics
Classification: Uncertain significance. Last evaluated: 2022-05-27. Review status: criteria provided, single submitter. Criteria: Ambry Variant Classification Scheme 2023. Collection method: clinical testing. Allele origin: germline.

Baylor Genetics
Classification: Uncertain significance for Paganini-Miozzo syndrome. Last evaluated: 2020-03-17. Review status: criteria provided, single submitter. Criteria: ACMG Guidelines, 2015. Collection method: clinical testing. Allele origin: unknown. Affected: yes.
Comment: This variant was determined to be of uncertain significance according to ACMG Guidelines, 2015 [PMID:25741868].

NM_001394073.1(HS6ST2):c.652A>C (p.Lys218Gln)

Gene: HS6ST2 (heparan sulfate 6-O-sulfotransferase 2; minus strand). Cytogenetic location: Xq26.2.
Variant type: single nucleotide variant.
Coding change: c.652A>C on transcript NM_001394073.1 (MANE Select); coding-DNA position 652, A replaced by C.
Protein change: p.Lys218Gln; replaces lysine 218 with glutamine.
Molecular consequence: missense variant.
Genome position (GRCh38, 1-based): chrX:132,957,103, T>G on the plus strand (A>C on the coding strand, the complement: HS6ST2 is on the minus strand). VCF-style: chrX-132957103-T-G. GRCh37 (hg19) VCF-style: chrX-132091131-T-G.
Other names: c.652A>C, p.Lys218Gln (NM_001077188.2, NM_001394074.1, NM_147175.4); short protein forms K218Q.
Identifiers: ClinVar variation 1028500 (VCV001028500.3), dbSNP rs746316980, ClinGen allele CA10519620.